The following is an entry in ClinVar:

ClinVar aggregate classification (germline): Conflicting classifications of pathogenicity. Review status: criteria provided, conflicting classifications (1 of 4 stars). 5 submissions from 5 submitters: Uncertain significance (4); Likely benign (1). Last evaluated 2025-12-22.

Conditions:
Hereditary cancer-predisposing syndrome. Also called: Hereditary Cancer Syndrome; Neoplastic Syndromes, Hereditary; Tumor predisposition; Hereditary neoplastic syndrome. Identifiers: Orphanet 140162, MedGen C0027672, MeSH D009386, MONDO:0015356.
Hereditary breast ovarian cancer syndrome. Also called: Hereditary breast and ovarian cancer syndrome; Hereditary breast and ovarian cancer; Hereditary breast and ovarian cancer syndrome (HBOC); Breast and ovarian cancer; Hereditary breast and/or ovarian cancer syndrome; BRCA1- and BRCA2-Associated Hereditary Breast and Ovarian Cancer. Identifiers: Orphanet 145, MedGen C0677776, MeSH D061325, MONDO:0003582. Disease mechanism: loss of function.

gnomAD v4.1: 1 of 1,613,630 alleles (0.000062%); highest among the groups gnomAD compares: Non-Finnish European, 0.000085%; no homozygotes.

Submissions (5):

Labcorp Genetics (formerly Invitae), Labcorp
Classification: Uncertain significance for Hereditary breast ovarian cancer syndrome. Last evaluated: 2025-12-22. Review status: criteria provided, single submitter. Criteria: Invitae Variant Classification Sherloc (09022015). Collection method: clinical testing. Allele origin: germline.
Comment: This sequence change replaces glutamic acid, which is acidic and polar, with glutamine, which is neutral and polar, at codon 1352 of the BRCA1 protein (p.Glu1352Gln). This variant is not present in population databases (gnomAD no frequency). This variant has not been reported in the literature in individuals affected with BRCA1-related conditions. ClinVar contains an entry for this variant (Variation ID: 481150). Invitae Evidence Modeling of protein sequence and biophysical properties (such as structural, functional, and spatial information, amino acid conservation, physicochemical variation, residue mobility, and thermodynamic stability) indicates that this missense variant is not expected to disrupt BRCA1 protein function with a negative predictive value of 80%. In summary, the available evidence is currently insufficient to determine the role of this variant in disease. Therefore, it has been classified as a Variant of Uncertain Significance.

Ambry Genetics
Classification: Uncertain significance for Hereditary cancer-predisposing syndrome. Last evaluated: 2023-06-09. Review status: criteria provided, single submitter. Criteria: Ambry Variant Classification Scheme 2023. Collection method: clinical testing. Allele origin: germline.
Comment: The p.E1352Q variant (also known as c.4054G>C), located in coding exon 9 of the BRCA1 gene, results from a G to C substitution at nucleotide position 4054. The glutamic acid at codon 1352 is replaced by glutamine, an amino acid with highly similar properties. This amino acid position is not well conserved in available vertebrate species. In addition, the in silico prediction for this alteration is inconclusive. Since supporting evidence is limited at this time, the clinical significance of this alteration remains unclear.

University of Washington Department of Laboratory Medicine, University of Washington
Classification: Likely benign for Hereditary cancer-predisposing syndrome. Last evaluated: 2023-03-23. Review status: criteria provided, single submitter. Criteria: Dines et al. (Genet Med. 2020). Collection method: curation. Allele origin: germline.
Comment: Missense variant in a coldspot region where missense variants are very unlikely to be pathogenic (PMID:31911673).

BRCA1 coldspot (exon 11 using historical exon numbering). Reclassification based on statistical prior probability

Color Diagnostics, LLC DBA Color Health
Classification: Uncertain significance for Hereditary cancer-predisposing syndrome. Last evaluated: 2022-05-16. Review status: criteria provided, single submitter. Criteria: ACMG Guidelines, 2015. Collection method: clinical testing. Allele origin: germline.
Comment: This missense variant replaces glutamic acid with glutamine at codon 1352 of the BRCA1 protein. Computational prediction suggests that this variant may not impact protein structure and function (internally defined REVEL score threshold <= 0.5, PMID: 27666373). To our knowledge, functional studies have not been reported for this variant. This variant has been detected in individuals affected with BRCA2-associated cancers (Color internal data). This variant has not been identified in the general population by the Genome Aggregation Database (gnomAD). The available evidence is insufficient to determine the role of this variant in disease conclusively. Therefore, this variant is classified as a Variant of Uncertain Significance.

GeneDx
Classification: Uncertain significance. Last evaluated: 2019-09-16. Review status: criteria provided, single submitter. Criteria: GeneDx Variant Classification Process June 2021. Collection method: clinical testing. Allele origin: germline. Affected: yes.
Comment: In silico analysis, which includes protein predictors and evolutionary conservation, supports that this variant does not alter protein structure/function; Has not been previously published as pathogenic or benign to our knowledge; Not observed in large population cohorts (Lek 2016); Also known as BRCA1 4173G>C

NM_007294.4(BRCA1):c.4054G>C (p.Glu1352Gln)

Genes: BRCA1 (BRCA1 DNA repair associated; minus strand), LOC126862571 (BRD4-independent group 4 enhancer GRCh37_chr17:41243136-41244335; plus strand). Cytogenetic location: 17q21.31.
Variant type: single nucleotide variant.
Coding change: c.4054G>C on transcript NM_007294.4 (MANE Select); coding-DNA position 4054, G replaced by C.
Protein change: p.Glu1352Gln; replaces glutamic acid 1352 with glutamine.
Molecular consequence: missense variant. On other transcripts: intron variant (135).
Genome position (GRCh38, 1-based): chr17:43,091,477, C>G on the plus strand (G>C on the coding strand, the complement: BRCA1 is on the minus strand). VCF-style: chr17-43091477-C-G. GRCh37 (hg19) VCF-style: chr17-41243494-C-G.
Other names: c.3910G>C, p.Glu1304Gln (NM_001407842.1, NM_001407843.1, NM_001407844.1 and 20 more transcripts); c.3913G>C, p.Glu1305Gln (NM_001407850.1, NM_001407851.1, NM_001407852.1 and 29 more transcripts); c.3841G>C, p.Glu1281Gln (NM_001407853.1, NM_001407894.1, NM_001407895.1 and 9 more transcripts); c.4054G>C, p.Glu1352Gln (NM_001407854.1, NM_001407858.1, NM_001407859.1 and 30 more transcripts); c.4051G>C, p.Glu1351Gln (NM_001407860.1, NM_001407861.1, NM_001407587.1 and 22 more transcripts); c.3853G>C, p.Glu1285Gln (NM_001407862.1); c.3931G>C, p.Glu1311Gln (NM_001407863.1, NM_001407919.1, NM_001407937.1 and 19 more transcripts); c.3850G>C, p.Glu1284Gln (NM_001407874.1, NM_001407875.1); and 41 more; short protein forms E1352Q, E1305Q, E1264Q, E1326Q, E1056Q, E1281Q, E1282Q, E1311Q.
Identifiers: ClinVar variation 481150 (VCV000481150.36), dbSNP rs80357202, ClinGen allele CA10593855.